The following is an entry in ClinVar:

ClinVar aggregate classification (germline): Uncertain significance. Review status: criteria provided, multiple submitters, no conflicts (2 of 4 stars). 4 submissions from 4 submitters: Uncertain significance (4). Last evaluated 2025-08-05.

Conditions:
Alagille syndrome due to a NOTCH2 point mutation. Also called: Alagille syndrome 2. Identifiers: Orphanet 261629, Orphanet 52, MedGen C1857761, MONDO:0012439, OMIM 610205.
Hajdu-Cheney syndrome (HJCYS). Also called: ACROOSTEOLYSIS WITH OSTEOPOROSIS AND CHANGES IN SKULL AND MANDIBLE; SERPENTINE FIBULA-POLYCYSTIC KIDNEY SYNDROME; Acroosteolysis dominant type. Identifiers: Orphanet 955, MedGen C0917715, MONDO:0007057, OMIM 102500.

Allele frequency attached by ClinVar (database versions not stated): gnomAD 0.00001 and 0.00002; gnomAD exomes 0.00002; TOPMed 0.00002; ExAC 0.00004.
gnomAD v4.1: 34 of 1,603,714 alleles (0.0021%); highest among the groups gnomAD compares: African/African-American, 0.011%; no homozygotes.

Submissions (4):

Labcorp Genetics (formerly Invitae), Labcorp
Classification: Uncertain significance for Hajdu-Cheney syndrome. Last evaluated: 2025-08-05. Review status: criteria provided, single submitter. Criteria: Invitae Variant Classification Sherloc (09022015). Collection method: clinical testing. Allele origin: germline.
Comment: This sequence change falls in intron 28 of the NOTCH2 gene. It does not directly change the encoded amino acid sequence of the NOTCH2 protein. This variant is present in population databases (rs761995764, gnomAD 0.01%). This variant has not been reported in the literature in individuals affected with NOTCH2-related conditions. ClinVar contains an entry for this variant (Variation ID: 290946). Algorithms developed to predict the effect of sequence changes on RNA splicing suggest that this variant may disrupt the consensus splice site. In summary, the available evidence is currently insufficient to determine the role of this variant in disease. Therefore, it has been classified as a Variant of Uncertain Significance.

Fulgent Genetics
Classification: Uncertain significance for Hajdu-Cheney syndrome; Alagille syndrome due to a NOTCH2 point mutation. Last evaluated: 2024-02-28. Review status: criteria provided, single submitter. Criteria: ACMG Guidelines, 2015. Collection method: clinical testing. Allele origin: germline.

Mayo Clinic Laboratories, Mayo Clinic
Classification: Uncertain significance. Last evaluated: 2021-07-16. Review status: criteria provided, single submitter. Criteria: ACMG Guidelines, 2015. Collection method: clinical testing. Allele origin: germline.

Eurofins Ntd Llc (ga)
Classification: Uncertain significance. Last evaluated: 2017-12-13. Review status: criteria provided, single submitter. Criteria: EGL Classification Definitions 2015. Collection method: clinical testing. Allele origin: germline. Observed: 2 variant alleles, 2 heterozygotes.

NM_024408.4(NOTCH2):c.5214-10A>G

Gene: NOTCH2 (notch receptor 2; minus strand). Cytogenetic location: 1p12.
Variant type: single nucleotide variant.
Coding change: c.5214-10A>G on transcript NM_024408.4 (MANE Select); 10 bases into the intron before coding-DNA position 5214, A replaced by G.
Molecular consequence: intron variant.
Genome position (GRCh38, 1-based): chr1:119,921,819, T>C on the plus strand (A>G on the coding strand, the complement: NOTCH2 is on the minus strand). VCF-style: chr1-119921819-T-C. GRCh37 (hg19) VCF-style: chr1-120464442-T-C.
Identifiers: ClinVar variation 290946 (VCV000290946.14), dbSNP rs761995764, ClinGen allele CA1039689.